The following is an entry in ClinVar:

NM_004656.4(BAP1):c.570dup (p.Ile191fs)

Gene: BAP1 (BRCA1 associated deubiquitinase 1; minus strand). Cytogenetic location: 3p21.1.
Variant type: Duplication.
Coding change: c.570dup on transcript NM_004656.4 (MANE Select); coding-DNA position 570, one base duplicated (C; older notation c.570dupC).
Protein change: p.Ile191fs; shifts the reading frame from isoleucine 191.
Molecular consequence: frameshift variant.
Genome position (GRCh38, 1-based): chr3:52,407,184, G duplicated on the plus strand (C on the coding strand, the reverse complement: BAP1 is on the minus strand); the first of 4 consecutive G bases (chr3:52,407,184-52,407,187); duplicating any one gives the same sequence. VCF-style (leftmost placement, unchanged base first): chr3-52407183-T-TG. GRCh37 (hg19) VCF-style: chr3-52441199-T-TG.
Other names: c.570dup, p.Ile191fs (NM_001410772.1); short protein forms I191fs.
Identifiers: ClinVar variation 4732514 (VCV004732514.1).

ClinVar aggregate classification (germline): Pathogenic (1 of 4 stars; one submission).

Conditions:
BAP1-related tumor predisposition syndrome (TPDS1). Also called: COMMON Syndrome; TUMOR PREDISPOSITION SYNDROME 1; Tumor susceptibility linked to germline BAP1 mutations; BAP1 tumor predisposition syndrome. Identifiers: Orphanet 289539, MedGen C3280492, MONDO:0013692, OMIM 614327.

Submission:

Labcorp Genetics (formerly Invitae), Labcorp
Classification: Pathogenic for BAP1-related tumor predisposition syndrome. Last evaluated: 2025-12-03. Review status: criteria provided, single submitter. Criteria: Invitae Variant Classification Sherloc (09022015). Collection method: clinical testing. Allele origin: germline.
Comment: This sequence change creates a premature translational stop signal (p.Ile191Hisfs*2) in the BAP1 gene. It is expected to result in an absent or disrupted protein product. Loss-of-function variants in BAP1 are known to be pathogenic (PMID: 21874000, 23684012). This variant is not present in population databases (gnomAD no frequency). This variant has not been reported in the literature in individuals affected with BAP1-related conditions. For these reasons, this variant has been classified as Pathogenic.

Literature cited by the submitters: PubMed 21874000; PubMed 23684012.